The following is an entry in ClinVar:

NM_031935.3(HMCN1):c.16391C>A (p.Thr5464Lys)

Gene: HMCN1 (hemicentin 1; plus strand). Cytogenetic location: 1q31.1.
Variant type: single nucleotide variant.
Coding change: c.16391C>A on transcript NM_031935.3 (MANE Select); coding-DNA position 16391, C replaced by A.
Protein change: p.Thr5464Lys; replaces threonine 5464 with lysine.
Molecular consequence: missense variant.
Genome position (GRCh38, 1-based): chr1:186,182,264, C>A. VCF-style: chr1-186182264-C-A. GRCh37 (hg19) VCF-style: chr1-186151396-C-A.
Other names: short protein forms T5464K.
Identifiers: ClinVar variation 1922636 (VCV001922636.5), dbSNP rs1652981609, ClinGen allele CA343941382.
Genomic context (GRCh38, chr1:186,182,264, plus strand): 5'-ATGAGTGTAAGAATACCTTTGGAAGTTATCAGTGCATCTGCCCACCTGGCTATCAACTCA[C>A]ACACAATGGAAAGACATGCCAAGGTGAGAAAACATTGGGATGTTTATTGTTGCAAACTTG-3'
Protein context (NP_114141.2, residues 5454-5474): QCICPPGYQL[Thr5464Lys]HNGKTCQDID

ClinVar aggregate classification (germline): Uncertain significance (1 of 4 stars; one submission).

Allele frequency attached by ClinVar (database versions not stated): gnomAD exomes below 0.00001; gnomAD 0.00001.
gnomAD v4.1: 2 of 1,613,368 alleles (0.00012%); highest among the groups gnomAD compares: African/African-American, 0.0027%; no homozygotes.

Submission:

Labcorp Genetics (formerly Invitae), Labcorp
Classification: Uncertain significance. Last evaluated: 2022-09-01. Review status: criteria provided, single submitter. Criteria: Invitae Variant Classification Sherloc (09022015). Collection method: clinical testing. Allele origin: germline.
Comment: This sequence change replaces threonine, which is neutral and polar, with lysine, which is basic and polar, at codon 5464 of the HMCN1 protein (p.Thr5464Lys). This variant is not present in population databases (gnomAD no frequency). In summary, the available evidence is currently insufficient to determine the role of this variant in disease. Therefore, it has been classified as a Variant of Uncertain Significance. Algorithms developed to predict the effect of missense changes on protein structure and function are either unavailable or do not agree on the potential impact of this missense change (SIFT: "Deleterious"; PolyPhen-2: "Benign"; Align-GVGD: "Class C0"). This variant has not been reported in the literature in individuals affected with HMCN1-related conditions.